The following is an entry in ClinVar:

ClinVar aggregate classification (germline): Uncertain risk allele (1 of 4 stars; one submission).

Conditions:
Diabetic retinopathy. Identifiers: MedGen C0011884, MONDO:0005266.

Allele frequency attached by ClinVar (database versions not stated): TOPMed below 0.00001; gnomAD 0.00001.
gnomAD v4.1: 23 of 1,461,796 alleles (0.0016%); highest among the groups gnomAD compares: Non-Finnish European, 0.0021%; no homozygotes.

Submission:

Clinical Genomics, Uppaluri K&H Personalized Medicine Clinic
Classification: Uncertain risk allele for Diabetic retinopathy. Review status: criteria provided, single submitter. Criteria: K And H Uppaluri Personalized Medicine Clinic Variant Classification And Assertion Criteria Updated V 2. Collection method: research. Allele origin: unknown.
Comment: Potent mutations in TGFBR2 gene encodes the transforming growth factor that have been associated with angiogenesis and diabetic retinopathy. More clinical studies are needed for stronger association. However, more evidence is required to confer the association of this particular variant rs752752584 with diabetic retinopathy.

Literature cited by the submitters: PubMed 30222965; PubMed 28162229; PubMed 34572573.

NM_003242.6(TGFBR2):c.-26G>T

Gene: TGFBR2 (transforming growth factor beta receptor 2; plus strand). Cytogenetic location: 3p24.1.
Variant type: single nucleotide variant.
Coding change: c.-26G>T on transcript NM_003242.6 (MANE Select); 26 bases upstream of the start codon, G replaced by T.
Molecular consequence: 5 prime UTR variant. On other transcripts: intron variant (2).
Genome position (GRCh38, 1-based): chr3:30,606,858, G>T. VCF-style: chr3-30606858-G-T. GRCh37 (hg19) VCF-style: chr3-30648350-G-T.
Other names: c.-26G>T (NM_001024847.3, NM_001407126.1, NM_001407127.1 and 4 more transcripts); c.-309G>T (NM_001407133.1); c.-187G>T (NM_001407134.1); c.-234G>T (NM_001407135.1); c.-319G>T (NM_001407136.1); c.-12+265G>T (NM_001407129.1, NM_001407132.1).
Identifiers: ClinVar variation 3220874 (VCV003220874.1), dbSNP rs752752584, ClinGen allele CA047860.
Genomic context (GRCh38, chr3:30,606,858, plus strand): 5'-CGCGGCGCGGAGGCGCAGCCAGGGGTCCGGGAAGGCGCCGTCCGCTGCGCTGGGGGCTCG[G>T]TCTATGACGAGCAGCGGGGTCTGCCATGGGTCGGGGGCTGCTCAGGGGCCTGTGGCCGCT-3'